The following is an entry in ClinVar:

NM_001374828.1(ARID1B):c.3205_3228dup (p.Ser1076_Ser1077insMetAlaProAlaMetValAsnSer)

Gene: ARID1B (AT-rich interaction domain 1B; plus strand). Cytogenetic location: 6q25.3.
Variant type: Duplication.
Coding change: c.3205_3228dup on transcript NM_001374828.1 (MANE Select); coding-DNA positions 3205 to 3228, 24 bases duplicated (ATGGCGCCCGCCATGGTGAACAGC).
Protein change: p.Ser1076_Ser1077insMetAlaProAlaMetValAsnSer.
Genome position (GRCh38, 1-based): chr6:157,167,155-157,167,178, ATGGCGCCCGCCATGGTGAACAGC duplicated; duplicating any 24 consecutive bases within chr6:157,167,150-157,167,178 gives the same sequence; the c. name uses the placement nearest the transcript's 3' end. VCF-style (leftmost placement, unchanged base first): chr6-157167149-T-TACAGCATGGCGCCCGCCATGGTGA. GRCh37 (hg19) VCF-style: chr6-157488283-T-TACAGCATGGCGCCCGCCATGGTGA.
Other names: c.2995_3018dup (NM_020732.3); c.706_729dup, p.Ser243_Ser244insMetAlaProAlaMetValAsnSer (NM_001363725.2); c.3244_3267dup, p.Ser1089_Ser1090insMetAlaProAlaMetValAsnSer (NM_001371656.1, NM_001374820.1); c.3205_3228dup, p.Ser1076_Ser1077insMetAlaProAlaMetValAsnSer (NM_017519.3).
Identifiers: ClinVar variation 3361433 (VCV003361433.1).
Genomic context (GRCh38, chr6:157,167,149, plus strand): 5'-TCTCCCTACAGCCAGCCCATGAACAACAGCTCTAGCCTGATGAACACGCAGGCGCCGCCC[T>TACAGCATGGCGCCCGCCATGGTGA]ACAGCATGGCGCCCGCCATGGTGAACAGCTCGGCAGGTAACCTTGGCAGCTCTGCGCTCC-3'

ClinVar aggregate classification (germline): Uncertain significance (1 of 4 stars; one submission).

Submission:

GeneDx
Classification: Uncertain significance. Last evaluated: 2023-07-19. Review status: criteria provided, single submitter. Criteria: GeneDx Variant Classification Process June 2021. Collection method: clinical testing. Allele origin: germline. Affected: yes.
Comment: Not observed at significant frequency in large population cohorts (gnomAD); In-frame insertion of 8 amino acids in a non-repeat region; Has not been previously published as pathogenic or benign to our knowledge